The following is an entry in ClinVar:

ClinVar aggregate classification (germline): Likely benign. Review status: criteria provided, multiple submitters, no conflicts (2 of 4 stars). 3 submissions from 3 submitters: Likely benign (3). Last evaluated 2024-10-14.

Allele frequency attached by ClinVar (database versions not stated): ExAC 0.00002; gnomAD 0.00003.
gnomAD v4.1: 27 of 1,613,786 alleles (0.0017%); highest among the groups gnomAD compares: East Asian, 0.0022%; no homozygotes.

Submissions (4):

Blueprint Genetics
Classification: Likely benign. Last evaluated: 2024-10-14. Review status: criteria provided, single submitter. Criteria: ACMG Guidelines, 2015. Collection method: clinical testing. Allele origin: germline.

Labcorp Genetics (formerly Invitae), Labcorp
Classification: Likely benign. Last evaluated: 2024-01-11. Review status: criteria provided, single submitter. Criteria: Invitae Variant Classification Sherloc (09022015). Collection method: clinical testing. Allele origin: germline.

CeGaT Center for Human Genetics Tuebingen
Classification: Likely benign. Last evaluated: 2022-03-01. Review status: criteria provided, single submitter. Criteria: CeGaT Center For Human Genetics Tuebingen Variant Classification Criteria Version 2. Collection method: clinical testing. Allele origin: germline. Affected: yes. Observed: 1 variant allele.
Comment: PDE6G: BP4, BP7

Dr. Peter K. Rogan Lab, Western University
No classification provided (evidence only). Condition: Melanoma. Review status: no classification provided. Collection method: in vitro. Allele origin: not applicable. Functional consequence: retained intron. Not counted in ClinVar's aggregate classification.

NM_002602.4(PDE6G):c.138C>T (p.Gly46=)

Gene: PDE6G (phosphodiesterase 6G; minus strand). Cytogenetic location: 17q25.3.
Variant type: single nucleotide variant.
Coding change: c.138C>T on transcript NM_002602.4 (MANE Select); coding-DNA position 138, C replaced by T.
Protein change: p.Gly46=; no amino-acid change (glycine 46 retained).
Molecular consequence: synonymous variant.
Genome position (GRCh38, 1-based): chr17:81,653,168, G>A on the plus strand (C>T on the coding strand, the complement: PDE6G is on the minus strand). VCF-style: chr17-81653168-G-A. GRCh37 (hg19) VCF-style: chr17-79620198-G-A.
Other names: c.138C>T, p.Gly46= (NM_001365724.1, NM_001365725.1).
Identifiers: ClinVar variation 1947775 (VCV001947775.31), dbSNP rs764442587, ClinGen allele CA8839059.